The following is an entry in ClinVar:

NM_001130438.3(SPTAN1):c.4148A>G (p.Glu1383Gly)

Gene: SPTAN1 (spectrin alpha, non-erythrocytic 1; plus strand). Cytogenetic location: 9q34.11.
Variant type: single nucleotide variant.
Coding change: c.4148A>G on transcript NM_001130438.3 (MANE Select); coding-DNA position 4148, A replaced by G.
Protein change: p.Glu1383Gly; replaces glutamic acid 1383 with glycine.
Molecular consequence: missense variant.
Genome position (GRCh38, 1-based): chr9:128,607,853, A>G. VCF-style: chr9-128607853-A-G. GRCh37 (hg19) VCF-style: chr9-131370132-A-G.
Other names: c.4088A>G, p.Glu1363Gly (NM_001195532.2, NM_001363765.2, NM_001375314.2); c.4148A>G, p.Glu1383Gly (NM_001363759.2, NM_001375310.1, NM_001375311.2 and 2 more transcripts); c.4184A>G, p.Glu1395Gly (NM_001375312.2, NM_001375318.1); short protein forms E1383G, E1395G, E1363G.
Identifiers: ClinVar variation 1355758 (VCV001355758.9), dbSNP rs1019310261, ClinGen allele CA200396121.

ClinVar aggregate classification (germline): Uncertain significance (1 of 4 stars; one submission).

Conditions:
Early-infantile DEE. Also called: Early infantile epileptic encephalopathy with suppression bursts; Early infantile epileptic encephalopathy; Ohtahara syndrome. Identifiers: Orphanet 1934, MedGen C0393706, MONDO:0800491.

Allele frequency attached by ClinVar (database versions not stated): gnomAD exomes below 0.00001.
gnomAD v4.1: 1 of 1,613,888 alleles (0.000062%); highest among the groups gnomAD compares: Non-Finnish European, 0.000085%; no homozygotes.

Submission:

Labcorp Genetics (formerly Invitae), Labcorp
Classification: Uncertain significance for Early-infantile DEE. Last evaluated: 2022-07-12. Review status: criteria provided, single submitter. Criteria: Invitae Variant Classification Sherloc (09022015). Collection method: clinical testing. Allele origin: germline.
Comment: This variant is not present in population databases (gnomAD no frequency). In summary, the available evidence is currently insufficient to determine the role of this variant in disease. Therefore, it has been classified as a Variant of Uncertain Significance. Algorithms developed to predict the effect of missense changes on protein structure and function (SIFT, PolyPhen-2, Align-GVGD) all suggest that this variant is likely to be disruptive. ClinVar contains an entry for this variant (Variation ID: 1355758). This variant has not been reported in the literature in individuals affected with SPTAN1-related conditions. This sequence change replaces glutamic acid, which is acidic and polar, with glycine, which is neutral and non-polar, at codon 1383 of the SPTAN1 protein (p.Glu1383Gly).